The following is an entry in ClinVar:

NM_001165963.4(SCN1A):c.3944T>C (p.Leu1315Pro)

Genes: SCN1A (sodium voltage-gated channel alpha subunit 1; minus strand), LOC102724058 (uncharacterized LOC102724058; plus strand). Cytogenetic location: 2q24.3.
Variant type: single nucleotide variant.
Coding change: c.3944T>C on transcript NM_001165963.4 (MANE Select); coding-DNA position 3944, T replaced by C.
Protein change: p.Leu1315Pro; replaces leucine 1315 with proline.
Molecular consequence: missense variant. On other transcripts: non-coding transcript variant (1).
Genome position (GRCh38, 1-based): chr2:166,009,777, A>G on the plus strand (T>C on the coding strand, the complement: SCN1A is on the minus strand). VCF-style: chr2-166009777-A-G. GRCh37 (hg19) VCF-style: chr2-166866287-A-G.
Other names: c.3860T>C, p.Leu1287Pro (NM_001165964.3, NM_001353957.2, NM_001353958.2); c.3944T>C, p.Leu1315Pro (NM_001202435.3, NM_001353948.2); c.3911T>C, p.Leu1304Pro (NM_001353949.2, NM_001353950.2, NM_001353951.2 and 2 more transcripts); c.3908T>C, p.Leu1303Pro (NM_001353954.2, NM_001353955.2); c.3857T>C, p.Leu1286Pro (NM_001353960.2); c.1502T>C, p.Leu501Pro (NM_001353961.2); short protein forms L1286P, L1287P, L1303P, L1304P, L1315P, L501P.
Identifiers: ClinVar variation 4819160 (VCV004819160.1).

ClinVar aggregate classification (germline): Uncertain significance (1 of 4 stars; one submission).

Conditions:
Generalized epilepsy with febrile seizures plus, type 2 (GEFSP2). Also called: GEFS+, TYPE 2. Identifiers: Orphanet 36387, MedGen C1858673, MONDO:0011461, OMIM 604403.

Submission:

Institute of Human Genetics, University of Leipzig Medical Center
Classification: Uncertain significance for Generalized epilepsy with febrile seizures plus, type 2. Last evaluated: 2025-06-05. Review status: criteria provided, single submitter. Criteria: ACMG Guidelines, 2015. Collection method: clinical testing. Allele origin: paternal. Inheritance: Autosomal dominant inheritance. Affected: yes.
Comment: Criteria applied: PM2_SUP,PP3_MOD